The following is an entry in ClinVar:

ClinVar aggregate classification (germline): Uncertain significance (1 of 4 stars; one submission).

Allele frequency attached by ClinVar (database versions not stated): gnomAD exomes below 0.00001.
gnomAD v4.1: 2 of 1,612,322 alleles (0.00012%); highest among the groups gnomAD compares: African/African-American, 0.0013%; no homozygotes.

Submission:

Labcorp Genetics (formerly Invitae), Labcorp
Classification: Uncertain significance. Last evaluated: 2021-05-31. Review status: criteria provided, single submitter. Criteria: Invitae Variant Classification Sherloc (09022015). Collection method: clinical testing. Allele origin: germline.
Comment: In summary, the available evidence is currently insufficient to determine the role of this variant in disease. Therefore, it has been classified as a Variant of Uncertain Significance. Algorithms developed to predict the effect of missense changes on protein structure and function are either unavailable or do not agree on the potential impact of this missense change (SIFT: "Tolerated"; PolyPhen-2: "Not Available"; Align-GVGD: "Class C0"). This variant has not been reported in the literature in individuals with PTPN23-related conditions. This variant is not present in population databases (ExAC no frequency). This sequence change replaces leucine with phenylalanine at codon 1534 of the PTPN23 protein (p.Leu1534Phe). The leucine residue is weakly conserved and there is a small physicochemical difference between leucine and phenylalanine.

NM_015466.4(PTPN23):c.4600C>T (p.Leu1534Phe)

Gene: PTPN23 (protein tyrosine phosphatase non-receptor type 23; plus strand). Cytogenetic location: 3p21.31.
Variant type: single nucleotide variant.
Coding change: c.4600C>T on transcript NM_015466.4 (MANE Select); coding-DNA position 4600, C replaced by T.
Protein change: p.Leu1534Phe; replaces leucine 1534 with phenylalanine.
Molecular consequence: missense variant.
Genome position (GRCh38, 1-based): chr3:47,412,874, C>T. VCF-style: chr3-47412874-C-T. GRCh37 (hg19) VCF-style: chr3-47454364-C-T.
Other names: c.4222C>T, p.Leu1408Phe (NM_001304482.2); short protein forms L1408F, L1534F.
Identifiers: ClinVar variation 1357879 (VCV001357879.8), dbSNP rs2107729633, ClinGen allele CA352568058.
Genomic context (GRCh38, chr3:47,412,874, plus strand): 5'-GAGTCCCCGGTTGCCAGCTTGCCAGGCCCTGCAGAGCCCCCAGGCCTCCCGCCAGCCAGC[C>T]TCCCAGAGTCTACCCCAATCCCATCTTCCTCCCCGCCCCCCCTTTCCTCCCCACTACCTG-3'
Protein context (NP_056281.1, residues 1524-1544): AEPPGLPPAS[Leu1534Phe]PESTPIPSSS